The following is an entry in ClinVar:

ClinVar aggregate classification (germline): Uncertain significance (1 of 4 stars; one submission).

Conditions:
Renal cell carcinoma. Identifiers: Orphanet 217071, MedGen C0007134, MeSH D002292, MONDO:0005086, HP:0005584.

Allele frequency attached by ClinVar (database versions not stated): gnomAD exomes below 0.00001.
gnomAD v4.1: 1 of 1,614,010 alleles (0.000062%); highest among the groups gnomAD compares: Non-Finnish European, 0.000085%; no homozygotes.

Submission:

Labcorp Genetics (formerly Invitae), Labcorp
Classification: Uncertain significance for Renal cell carcinoma. Last evaluated: 2023-11-12. Review status: criteria provided, single submitter. Criteria: Invitae Variant Classification Sherloc (09022015). Collection method: clinical testing. Allele origin: germline.
Comment: This sequence change replaces lysine, which is basic and polar, with arginine, which is basic and polar, at codon 836 of the MET protein (p.Lys836Arg). This variant is not present in population databases (gnomAD no frequency). This variant has not been reported in the literature in individuals affected with MET-related conditions. Advanced modeling of protein sequence and biophysical properties (such as structural, functional, and spatial information, amino acid conservation, physicochemical variation, residue mobility, and thermodynamic stability) performed at Invitae indicates that this missense variant is not expected to disrupt MET protein function with a negative predictive value of 80%. In summary, the available evidence is currently insufficient to determine the role of this variant in disease. Therefore, it has been classified as a Variant of Uncertain Significance.

NM_000245.4(MET):c.2453A>G (p.Lys818Arg)

Gene: MET (MET proto-oncogene, receptor tyrosine kinase; plus strand). Cytogenetic location: 7q31.2.
Variant type: single nucleotide variant.
Coding change: c.2453A>G on transcript NM_000245.4 (MANE Select); coding-DNA position 2453, A replaced by G.
Protein change: p.Lys818Arg; replaces lysine 818 with arginine.
Molecular consequence: missense variant.
Genome position (GRCh38, 1-based): chr7:116,763,138, A>G. VCF-style: chr7-116763138-A-G. GRCh37 (hg19) VCF-style: chr7-116403192-A-G.
Other names: c.2507A>G, p.Lys836Arg (NM_001127500.3); c.2453A>G, p.Lys818Arg (NM_001324401.3); c.1163A>G, p.Lys388Arg (NM_001324402.2); short protein forms K836R, K818R, K388R.
Identifiers: ClinVar variation 2859787 (VCV002859787.3), dbSNP rs2116955343, ClinGen allele CA368983256.